The following is an entry in ClinVar:

NM_000110.4(DPYD):c.1905+17A>G

Gene: DPYD (dihydropyrimidine dehydrogenase; minus strand). Cytogenetic location: 1p21.3.
Variant type: single nucleotide variant.
Coding change: c.1905+17A>G on transcript NM_000110.4 (MANE Select); 17 bases into the intron after coding-DNA position 1905, A replaced by G.
Molecular consequence: intron variant.
Genome position (GRCh38, 1-based): chr1:97,450,042, T>C on the plus strand (A>G on the coding strand, the complement: DPYD is on the minus strand). VCF-style: chr1-97450042-T-C. GRCh37 (hg19) VCF-style: chr1-97915598-T-C.
Identifiers: ClinVar variation 1806168 (VCV001806168.2), dbSNP rs369990607, ClinGen allele CA963208.

ClinVar aggregate classification (germline): Conflicting classifications of pathogenicity. Review status: criteria provided, conflicting classifications (1 of 4 stars). 2 submissions from 2 submitters: Uncertain significance (1); Likely benign (1). Last evaluated 2024-09-19.

Conditions:
Dihydropyrimidine dehydrogenase deficiency (DPYDD). Also called: DPD DEFICIENCY; DPYD DEFICIENCY; Hereditary Thymine-Uraciluria. Identifiers: Orphanet 1675, MedGen C1959620, MONDO:0010130, OMIM 274270.

Allele frequency attached by ClinVar (database versions not stated): 1000 Genomes Project 30x 0.00016; 1000 Genomes Project 0.00020; gnomAD 0.00034; ExAC 0.00042; TOPMed 0.00043; ESP Exome Variant Server 0.00046.
gnomAD v4.1: 716 of 1,613,748 alleles (0.044%); highest among the groups gnomAD compares: Middle Eastern, 0.17%; no homozygotes.

Submissions (2):

Blueprint Genetics
Classification: Likely benign. Last evaluated: 2024-09-19. Review status: criteria provided, single submitter. Criteria: ACMG Guidelines, 2015. Collection method: clinical testing. Allele origin: germline.

Victorian Clinical Genetics Services, Murdoch Childrens Research Institute
Classification: Uncertain significance for Dihydropyrimidine dehydrogenase deficiency. Last evaluated: 2021-05-06. Review status: criteria provided, single submitter. Criteria: ACMG Guidelines, 2015. Collection method: clinical testing. Allele origin: germline. Inheritance: Autosomal recessive inheritance.
Comment: Based on the classification scheme VCGS_Germline_v1.3.4, this variant is classified as 3C-VUS. Following criteria are met: 0102 - Loss-of-function is a known mechanism of disease for this gene and is associated with dihydropyrimidine dehydrogenase deficiency (MIM#274270). (I) 0106 - This gene is known to be associated with autosomal recessive disease. However, heterozygous carriers of some variants may also show a reduction in dihydropyrimidine dehydrogenase activity and can be affected by 5-fluorouracil toxicity (PMID: 29152729, 26265346). (I) 0212 - Non-canonical splice site variant without proven consequence on splicing (no functional evidence available). (SP) 0251 - This variant is heterozygous. (I) 0304 - Variant is present in gnomAD (v2) <0.01 for a recessive condition (94 heterozygotes, 0 homzygotes). (SP) 0506 - Abnormal splicing is not predicted and nucleotide is poorly conserved. (SB) 0705 - No comparable splice region variants have previous evidence for pathogenicity. (I) 0807 - This variant has no previous evidence of pathogenicity. (I) 0905 - No published segregation evidence has been identified for this variant. (I) 1007 - No published functional evidence has been identified for this variant. (I) 1208 - Inheritance information for this variant is not currently available in this individual. (I) Legend: (SP) - Supporting pathogenic, (I) - Information, (SB) - Supporting benign

Literature cited by the submitters: PubMed 26265346 (cited by Victorian Clinical Genetics Services, Murdoch Childrens Research Institute); PubMed 29152729 (cited by Victorian Clinical Genetics Services, Murdoch Childrens Research Institute).